The following is an entry in ClinVar:

NM_007129.5(ZIC2):c.1501_1524del (p.Gly501_Gly508del)

Gene: ZIC2 (Zic family zinc finger 2; plus strand). Cytogenetic location: 13q32.3.
Variant type: Deletion.
Coding change: c.1501_1524del on transcript NM_007129.5 (MANE Select); coding-DNA positions 1501 to 1524, 24 bases deleted (GGGGCGGGCGGCGGGGGCGGCGGC).
Protein change: p.Gly501_Gly508del.
Molecular consequence: inframe deletion.
Genome position (GRCh38, 1-based): chr13:99,985,584-99,985,607, GGGGCGGGCGGCGGGGGCGGCGGC deleted; deleting any 24 consecutive bases within chr13:99,985,569-99,985,607 gives the same sequence; the c. name uses the placement nearest the transcript's 3' end. VCF-style (leftmost placement, unchanged base first): chr13-99985568-TGGCGGGGGCGGCGGCGGGGCGGGC-T. GRCh37 (hg19) VCF-style: chr13-100637822-TGGCGGGGGCGGCGGCGGGGCGGGC-T.
Identifiers: ClinVar variation 1490323 (VCV001490323.7), dbSNP rs973238177, ClinGen allele CA255397299.

ClinVar aggregate classification (germline): Conflicting classifications of pathogenicity. Review status: criteria provided, conflicting classifications (1 of 4 stars). 2 submissions from 2 submitters: Uncertain significance (1); Likely benign (1). Last evaluated 2025-12-17.

Conditions:
Holoprosencephaly 5 (HPE5). Identifiers: Orphanet 2162, MedGen C1864827, MONDO:0012322, OMIM 609637.

Submissions (2):

Labcorp Genetics (formerly Invitae), Labcorp
Classification: Uncertain significance for Holoprosencephaly 5. Last evaluated: 2025-12-17. Review status: criteria provided, single submitter. Criteria: Invitae Variant Classification Sherloc (09022015). Collection method: clinical testing. Allele origin: germline.
Comment: This variant, c.1501_1524del, results in the deletion of 8 amino acid(s) of the ZIC2 protein (p.Gly501_Gly508del), but otherwise preserves the integrity of the reading frame. The frequency data for this variant in the population databases is considered unreliable, as metrics indicate poor data quality at this position in the gnomAD database. This variant has not been reported in the literature in individuals affected with ZIC2-related conditions. ClinVar contains an entry for this variant (Variation ID: 1490323). Experimental studies and prediction algorithms are not available or were not evaluated, and the functional significance of this variant is currently unknown. In summary, the available evidence is currently insufficient to determine the role of this variant in disease. Therefore, it has been classified as a Variant of Uncertain Significance.

Blueprint Genetics
Classification: Likely benign. Last evaluated: 2024-10-15. Review status: criteria provided, single submitter. Criteria: ACMG Guidelines, 2015. Collection method: clinical testing. Allele origin: germline.